The following is an entry in ClinVar:

NM_022773.4(LMF1):c.938G>T (p.Trp313Leu)

Gene: LMF1 (lipase maturation factor 1; minus strand). Cytogenetic location: 16p13.3.
Variant type: single nucleotide variant.
Coding change: c.938G>T on transcript NM_022773.4 (MANE Select); coding-DNA position 938, G replaced by T.
Protein change: p.Trp313Leu; replaces tryptophan 313 with leucine.
Molecular consequence: missense variant. On other transcripts: non-coding transcript variant (1).
Genome position (GRCh38, 1-based): chr16:871,301, C>A on the plus strand (G>T on the coding strand, the complement: LMF1 is on the minus strand). VCF-style: chr16-871301-C-A. GRCh37 (hg19) VCF-style: chr16-921301-C-A.
Other names: c.287G>T, p.Trp96Leu (NM_001352017.2, NM_001352021.2); c.539G>T, p.Trp180Leu (NM_001352018.2); c.611G>T, p.Trp204Leu (NM_001352019.2); c.938G>T, p.Trp313Leu (NM_001352020.1); short protein forms W204L, W313L, W180L, W96L.
Identifiers: ClinVar variation 1766772 (VCV001766772.2), dbSNP rs753503972, ClinGen allele CA276576625.

ClinVar aggregate classification (germline): Uncertain significance (1 of 4 stars; one submission).

Conditions:
Cardiovascular phenotype. Identifiers: MedGen CN230736.

Allele frequency attached by ClinVar (database versions not stated): TOPMed 0.00002; gnomAD 0.00003.
gnomAD v4.1: 6 of 1,612,404 alleles (0.00037%); highest among the groups gnomAD compares: African/African-American, 0.008%; no homozygotes.

Submission:

Ambry Genetics
Classification: Uncertain significance for Cardiovascular phenotype. Last evaluated: 2022-08-08. Review status: criteria provided, single submitter. Criteria: Ambry Variant Classification Scheme 2023. Collection method: clinical testing. Allele origin: germline.
Comment: The p.W313L variant (also known as c.938G>T), located in coding exon 7 of the LMF1 gene, results from a G to T substitution at nucleotide position 938. The tryptophan at codon 313 is replaced by leucine, an amino acid with similar properties. This amino acid position is conserved. In addition, the in silico prediction for this alteration is inconclusive. Since supporting evidence is limited at this time, the clinical significance of this alteration remains unclear.